The following is an entry in ClinVar:

ClinVar aggregate classification (germline): Uncertain significance (1 of 4 stars; one submission).

Conditions:
Neuronal ceroid lipofuscinosis. Also called: Neuronal Ceroid Lipofuscinoses. Identifiers: Orphanet 216, Orphanet 79263, MedGen C0027877, MONDO:0016295. Disease mechanism: loss of function.

Submission:

Labcorp Genetics (formerly Invitae), Labcorp
Classification: Uncertain significance for Neuronal ceroid lipofuscinosis. Last evaluated: 2022-08-21. Review status: criteria provided, single submitter. Criteria: Invitae Variant Classification Sherloc (09022015). Collection method: clinical testing. Allele origin: germline.
Comment: This sequence change replaces valine, which is neutral and non-polar, with methionine, which is neutral and non-polar, at codon 156 of the CTSD protein (p.Val156Met). Information on the frequency of this variant in the gnomAD database is not available, as this variant may be reported differently in the database. This variant has not been reported in the literature in individuals affected with CTSD-related conditions. ClinVar contains an entry for this variant (Variation ID: 568230). Experimental studies and prediction algorithms are not available or were not evaluated, and the functional significance of this variant is currently unknown. In summary, the available evidence is currently insufficient to determine the role of this variant in disease. Therefore, it has been classified as a Variant of Uncertain Significance.

NM_001909.5(CTSD):c.465_466inv (p.Val156Met)

Gene: CTSD (cathepsin D; minus strand). Cytogenetic location: 11p15.5.
Variant type: Inversion.
Coding change: c.465_466inv on transcript NM_001909.5 (MANE Select).
Protein change: p.Val156Met; replaces valine 156 with methionine.
Molecular consequence: missense variant.
Genome position: GRCh38 VCF-style: chr11-1758974-CA-TG. GRCh37 (hg19) VCF-style: chr11-1780204-CA-TG.
Other names: short protein forms V156M.
Identifiers: ClinVar variation 568230 (VCV000568230.8), ClinGen allele CA891842988.
Genomic context (GRCh38, chr11:1,758,974, plus strand): 5'-TGAACCCCACACCCTGGCACCCTCGAGTCCTGGGAAAGGCCCCAGAGGGACTCACCGACA[CA>TG]GTGTCCTGGCTCAGGTACCCGGAGAGGCTGCCCGAGCCATAGTGGATGTCAAACGAGGTA-3'
Protein context (NP_001900.1, residues 146-166): SLSGYLSQDT[Val156Met]SVPCQSASSA